The following is an entry in ClinVar:

NM_001130438.3(SPTAN1):c.4344+6T>C

Gene: SPTAN1 (spectrin alpha, non-erythrocytic 1; plus strand). Cytogenetic location: 9q34.11.
Variant type: single nucleotide variant.
Coding change: c.4344+6T>C on transcript NM_001130438.3 (MANE Select); 6 bases into the intron after coding-DNA position 4344, T replaced by C.
Molecular consequence: intron variant.
Genome position (GRCh38, 1-based): chr9:128,608,055, T>C. VCF-style: chr9-128608055-T-C. GRCh37 (hg19) VCF-style: chr9-131370334-T-C.
Other names: c.4380+6T>C (NM_001375318.1, NM_001375312.2); c.4344+6T>C (NM_001375311.2, NM_001375310.1, NM_001363759.2 and 2 more transcripts); c.4284+6T>C (NM_001375314.2, NM_001363765.2, NM_001195532.2).
Identifiers: ClinVar variation 1490916 (VCV001490916.7), dbSNP rs2131618659, ClinGen allele CA2573143909.

ClinVar aggregate classification (germline): Uncertain significance (1 of 4 stars; one submission).

Conditions:
Early-infantile DEE. Also called: Early infantile epileptic encephalopathy; Early infantile epileptic encephalopathy with suppression bursts; Ohtahara syndrome. Identifiers: Orphanet 1934, MedGen C0393706, MONDO:0800491.

Submission:

Labcorp Genetics (formerly Invitae), Labcorp
Classification: Uncertain significance for Early-infantile DEE. Last evaluated: 2022-01-12. Review status: criteria provided, single submitter. Criteria: Invitae Variant Classification Sherloc (09022015). Collection method: clinical testing. Allele origin: germline.
Comment: This variant has not been reported in the literature in individuals affected with SPTAN1-related conditions. In summary, the available evidence is currently insufficient to determine the role of this variant in disease. Therefore, it has been classified as a Variant of Uncertain Significance. Variants that disrupt the consensus splice site are a relatively common cause of aberrant splicing (PMID: 17576681, 9536098). Algorithms developed to predict the effect of sequence changes on RNA splicing suggest that this variant is not likely to affect RNA splicing. This variant is not present in population databases (gnomAD no frequency). This sequence change falls in intron 33 of the SPTAN1 gene. It does not directly change the encoded amino acid sequence of the SPTAN1 protein. It affects a nucleotide within the consensus splice site.

Literature cited by the submitters: PubMed 17576681; PubMed 9536098.